The following is an entry in ClinVar:

ClinVar aggregate classification (germline): Pathogenic. Review status: reviewed by expert panel (3 of 4 stars). 5 submissions from 5 submitters: Pathogenic (1). 4 of the submissions do not count toward it. Last evaluated 2022-08-31.

Conditions:
Hereditary thrombocytopenia and hematologic cancer predisposition syndrome. Identifiers: Orphanet 71290, MedGen CN281654, MONDO:0011071.
Hereditary thrombocytopenia and hematological cancer predisposition syndrome associated with RUNX1. Also called: Familial Platelet Disorder with Propensity to Acute Myelogenous Leukemia; Familial thrombocytopenia with propensity to acute myelogenous leukemia; PLATELET DISORDER, ASPIRIN-LIKE; RUNX1 Familial Platelet Disorder with Associated Myeloid Malignancies. Identifiers: Orphanet 71290, MedGen C1832388, MeSH C563324, MONDO:0100083, OMIM 601399.
RUNX1-related disorder. Also called: RUNX1-related condition.
Thrombocytopenia. Identifiers: MedGen C0040034, MeSH D013921, MONDO:0002049, HP:0001873.

Submissions (6):

ClinGen Myeloid Malignancy Variant Curation Expert Panel
Classification: Pathogenic for Hereditary thrombocytopenia and hematologic cancer predisposition syndrome. Last evaluated: 2022-08-31. Review status: reviewed by expert panel. Criteria: ClinGen MyeloMalig ACMG Specifications v2. Collection method: curation. Allele origin: germline. Inheritance: Autosomal dominant inheritance.
Comment: The c.508+1G>A variant has not been reported in gnomAD (v2 and v3) (PM2_supporting) or in case reports. It is predicted to result in the use of a cryptic site 23nt upstream of 5' splice site. This is predicted to lead to a frameshift and a premature termination codon leading to loss of function to the protein. SpliceAI delta score =1. (PVS1). This variant has been reported in three probands meeting at least one of the RUNX1-phenotypic criteria (PS4_Moderate; PMID: 29632235, SCV001161868.1, 2 (Patient ID :A001099, A001100) PMID: 29632235). This variant was found to co-segregate with disease in affected family members, with two meioses observed in one family (PMID: 29632235). The maternal grandmother and great uncle had history of AML but have not been screened for the RUNX1 variant so cannot be included. In summary, this variant meets criteria to be classified as pathogenic. ACMG/AMP criteria applied, as specified by the Myeloid Malignancy Variant Curation Expert Panel for RUNX1: PVS1, PS4_Moderate, PM2_Supporting.

Women's Health and Genetics/Laboratory Corporation of America, LabCorp
Classification: Likely pathogenic for Hereditary thrombocytopenia and hematological cancer predisposition syndrome associated with RUNX1. Last evaluated: 2026-01-20. Review status: criteria provided, single submitter. Criteria: LabCorp Variant Classification Summary - May 2015. Collection method: clinical testing. Allele origin: germline. Not counted in ClinVar's aggregate classification.
Comment: Variant summary: RUNX1 c.508+1G>A is located in a canonical splice-site and is predicted to affect mRNA splicing resulting in a significantly altered protein due to either exon skipping, shortening, or inclusion of intronic material. Variants that disrupt the consensus splice site are a relatively common cause of aberrant splicing and loss of RUNX1 function. Several computational tools predict a significant impact on normal splicing: Four predict the variant abolishes a 5' splicing donor site. However, these predictions have yet to be confirmed by functional studies. The variant was absent in 251420 control chromosomes. c.508+1G>A has been observed in at least two individuals affected with Hereditary Thrombocytopenia (e.g. Jalagadugula_BloodAdv_2018, Turro_2020). These data indicate that the variant is likely associated with disease. To our knowledge, no experimental evidence demonstrating an impact on protein function has been reported. The following publications have been ascertained in the context of this evaluation (PMID: 29632235, 32581362) ClinVar contains an entry for this variant (Variation ID: 812739). Based on the evidence outlined above, the variant was classified as likely pathogenic.

Labcorp Genetics (formerly Invitae), Labcorp
Classification: Likely pathogenic for Hereditary thrombocytopenia and hematological cancer predisposition syndrome associated with RUNX1. Last evaluated: 2025-11-03. Review status: criteria provided, single submitter. Criteria: Invitae Variant Classification Sherloc (09022015). Collection method: clinical testing. Allele origin: germline. Not counted in ClinVar's aggregate classification.
Comment: This sequence change affects a donor splice site in intron 5 of the RUNX1 gene. It is expected to disrupt RNA splicing. Variants that disrupt the donor or acceptor splice site typically lead to a loss of protein function (PMID: 16199547), and loss-of-function variants in RUNX1 are known to be pathogenic (PMID: 18723428, 24100448). This variant is not present in population databases (gnomAD no frequency). Disruption of this splice site has been observed in individual(s) with RUNX1-related conditions (PMID: 24100448, 32581362). ClinVar contains an entry for this variant (Variation ID: 812739). Algorithms developed to predict the effect of sequence changes on RNA splicing suggest that this variant may disrupt the consensus splice site. In summary, the currently available evidence indicates that the variant is pathogenic, but additional data are needed to prove that conclusively. Therefore, this variant has been classified as Likely Pathogenic.

Blueprint Genetics
Classification: Pathogenic for RUNX1-related disorders. Last evaluated: 2023-07-05. Review status: criteria provided, single submitter. Criteria: ACMG Guidelines, 2015. Collection method: clinical testing. Allele origin: germline. Affected: yes. Observed: 1 variant allele. Not counted in ClinVar's aggregate classification.

Dr. Peter K. Rogan Lab, Western University
No classification provided (evidence only). Condition: Uterine corpus endometrial carcinoma. Review status: no classification provided. Collection method: in vitro. Allele origin: not applicable. Functional consequence: retained intron. Not counted in ClinVar's aggregate classification.

NIHR Bioresource Rare Diseases, University of Cambridge
Classification: Likely pathogenic for Thrombocytopenia. Review status: no assertion criteria provided. Collection method: research. Allele origin: unknown. Affected: yes. Observed: 2 variant alleles. Not counted in ClinVar's aggregate classification.

Literature cited by the submitters: PubMed 27288520 (cited by Women's Health and Genetics/Laboratory Corporation of America, LabCorp); PubMed 17910630 (cited by Women's Health and Genetics/Laboratory Corporation of America, LabCorp); PubMed 21343560 (cited by Women's Health and Genetics/Laboratory Corporation of America, LabCorp); PubMed 27137476 (cited by Women's Health and Genetics/Laboratory Corporation of America, LabCorp); PubMed 21828118 (cited by Women's Health and Genetics/Laboratory Corporation of America, LabCorp); PubMed 19334039 (cited by Women's Health and Genetics/Laboratory Corporation of America, LabCorp); PubMed 22753902 (cited by Women's Health and Genetics/Laboratory Corporation of America, LabCorp); PubMed 21148331 (cited by Women's Health and Genetics/Laboratory Corporation of America, LabCorp); PubMed 19808697 (cited by Women's Health and Genetics/Laboratory Corporation of America, LabCorp); PubMed 22318203 (cited by Women's Health and Genetics/Laboratory Corporation of America, LabCorp); PubMed 30333627 (cited by Women's Health and Genetics/Laboratory Corporation of America, LabCorp); PubMed 27895058 (cited by Women's Health and Genetics/Laboratory Corporation of America, LabCorp); PubMed 22689681 (cited by Women's Health and Genetics/Laboratory Corporation of America, LabCorp); PubMed 27276561 (cited by Women's Health and Genetics/Laboratory Corporation of America, LabCorp); PubMed 32581362 (cited by 3 submitters); PubMed 27069254 (cited by Women's Health and Genetics/Laboratory Corporation of America, LabCorp); PubMed 29632235 (cited by Women's Health and Genetics/Laboratory Corporation of America, LabCorp); PubMed 16199547 (cited by Labcorp Genetics (formerly Invitae), Labcorp); PubMed 18723428 (cited by Labcorp Genetics (formerly Invitae), Labcorp); PubMed 24100448 (cited by Labcorp Genetics (formerly Invitae), Labcorp).

NM_001754.5(RUNX1):c.508+1G>A

Genes: RUNX1 (RUNX family transcription factor 1; minus strand), RUNX1-AS1 (RUNX1 antisense RNA 1; plus strand). Cytogenetic location: 21q22.12.
Variant type: single nucleotide variant.
Coding change: c.508+1G>A on transcript NM_001754.5 (MANE Select); the canonical splice donor site of the intron after coding-DNA position 508, G replaced by A.
Molecular consequence: splice donor variant.
Genome position (GRCh38, 1-based): chr21:34,880,556, C>T on the plus strand (G>A on the coding strand, the complement: RUNX1 is on the minus strand). VCF-style: chr21-34880556-C-T. GRCh37 (hg19) VCF-style: chr21-36252853-C-T.
Other names: c.427+1G>A (NM_001001890.3, NM_001122607.2).
Identifiers: ClinVar variation 812739 (VCV000812739.10), dbSNP rs1601515718, ClinGen allele CA410202463.
Genomic context (GRCh38, chr21:34,880,556, plus strand): 5'-TTGAAATGTGGGTTTGTTGCCATGAAACGTGTTTCAAGCATAGTTTTGACAGATAACGTA[C>T]CTCTTCCACTTCGACCGACAAACCTGAGGTCATTAAATCTTGCAACCTGGTTCTTCATGG-3'